The following is an entry in ClinVar:

ClinVar aggregate classification (germline): Likely benign (1 of 4 stars; one submission).

gnomAD v4.1: 40 of 1,206,770 alleles (0.0033%); highest among the groups gnomAD compares: South Asian, 0.0036%; no homozygotes.

Submission:

CeGaT Center for Human Genetics Tuebingen
Classification: Likely benign. Last evaluated: 2025-11-01. Review status: criteria provided, single submitter. Criteria: CeGaT Center For Human Genetics Tuebingen Variant Classification Criteria Version 2. Collection method: clinical testing. Allele origin: germline. Affected: yes. Observed: 1 variant allele.
Comment: PPP1R3F: BP4, BP7, BS2

NM_033215.5(PPP1R3F):c.1239G>A (p.Pro413=)

Gene: PPP1R3F (protein phosphatase 1 regulatory subunit 3F; plus strand). Cytogenetic location: Xp11.23.
Variant type: single nucleotide variant.
Coding change: c.1239G>A on transcript NM_033215.5 (MANE Select); coding-DNA position 1239, G replaced by A.
Protein change: p.Pro413=; no amino-acid change (proline 413 retained).
Molecular consequence: synonymous variant.
Genome position (GRCh38, 1-based): chrX:49,285,929, G>A. VCF-style: chrX-49285929-G-A. GRCh37 (hg19) VCF-style: chrX-49142391-G-A.
Other names: c.201G>A, p.Pro67= (NM_001184745.2).
Identifiers: ClinVar variation 4681569 (VCV004681569.5).